The following is an entry in ClinVar:

ClinVar aggregate classification (germline): Uncertain significance (1 of 4 stars; one submission).

Submission:

Labcorp Genetics (formerly Invitae), Labcorp
Classification: Uncertain significance. Last evaluated: 2025-01-22. Review status: criteria provided, single submitter. Criteria: Invitae Variant Classification Sherloc (09022015). Collection method: clinical testing. Allele origin: germline.
Comment: This sequence change replaces asparagine, which is neutral and polar, with serine, which is neutral and polar, at codon 1270 of the POLR1A protein (p.Asn1270Ser). This variant is not present in population databases (gnomAD no frequency). This variant has not been reported in the literature in individuals affected with POLR1A-related conditions. Invitae Evidence Modeling of protein sequence and biophysical properties (such as structural, functional, and spatial information, amino acid conservation, physicochemical variation, residue mobility, and thermodynamic stability) indicates that this missense variant is not expected to disrupt POLR1A protein function with a negative predictive value of 80%. In summary, the available evidence is currently insufficient to determine the role of this variant in disease. Therefore, it has been classified as a Variant of Uncertain Significance.

NM_015425.6(POLR1A):c.3809A>G (p.Asn1270Ser)

Genes: POLR1A (RNA polymerase I subunit A; minus strand), LOC106783498 (conserved acetylation island sequence 34 enhancer; plus strand). Cytogenetic location: 2p11.2.
Variant type: single nucleotide variant.
Coding change: c.3809A>G on transcript NM_015425.6 (MANE Select); coding-DNA position 3809, A replaced by G.
Protein change: p.Asn1270Ser; replaces asparagine 1270 with serine.
Molecular consequence: missense variant.
Genome position (GRCh38, 1-based): chr2:86,039,394, T>C on the plus strand (A>G on the coding strand, the complement: POLR1A is on the minus strand). VCF-style: chr2-86039394-T-C. GRCh37 (hg19) VCF-style: chr2-86266517-T-C.
Other names: short protein forms N1270S.
Identifiers: ClinVar variation 3720598 (VCV003720598.2).